The following is an entry in ClinVar:

ClinVar aggregate classification (germline): Uncertain significance (1 of 4 stars; one submission).

Submission:

GeneDx
Classification: Uncertain significance. Last evaluated: 2025-07-09. Review status: criteria provided, single submitter. Criteria: GeneDx Variant Classification Process June 2021. Collection method: clinical testing. Allele origin: germline. Affected: yes.
Comment: Not observed at significant frequency in large population cohorts (gnomAD); In silico analysis suggests that this missense variant does not alter protein structure/function; Has not been previously published as pathogenic or benign to our knowledge

NM_205768.3(ZBTB18):c.573C>A (p.Asn191Lys)

Gene: ZBTB18 (zinc finger and BTB domain containing 18; plus strand). Cytogenetic location: 1q44.
Variant type: single nucleotide variant.
Coding change: c.573C>A on transcript NM_205768.3 (MANE Select); coding-DNA position 573, C replaced by A.
Protein change: p.Asn191Lys; replaces asparagine 191 with lysine.
Molecular consequence: missense variant.
Genome position (GRCh38, 1-based): chr1:244,054,347, C>A. VCF-style: chr1-244054347-C-A. GRCh37 (hg19) VCF-style: chr1-244217649-C-A.
Other names: c.546C>A, p.Asn182Lys (NM_001278196.2, NM_006352.5); c.573C>A, p.Asn191Lys (NM_001421566.1); short protein forms N182K, N191K.
Identifiers: ClinVar variation 4685272 (VCV004685272.1).